The following is an entry in ClinVar:

ClinVar aggregate classification (germline): Uncertain significance (1 of 4 stars; one submission).

Conditions:
Joubert syndrome 15 (JBTS15). Identifiers: Orphanet 475, MedGen C3280897, MONDO:0013763, OMIM 614464.

Submission:

Labcorp Genetics (formerly Invitae), Labcorp
Classification: Uncertain significance for Joubert syndrome 15. Last evaluated: 2024-11-11. Review status: criteria provided, single submitter. Criteria: Invitae Variant Classification Sherloc (09022015). Collection method: clinical testing. Allele origin: germline.
Comment: This sequence change replaces serine, which is neutral and polar, with asparagine, which is neutral and polar, at codon 194 of the CEP41 protein (p.Ser194Asn). This variant is not present in population databases (gnomAD no frequency). This variant has not been reported in the literature in individuals affected with CEP41-related conditions. ClinVar contains an entry for this variant (Variation ID: 1714906). Invitae Evidence Modeling of protein sequence and biophysical properties (such as structural, functional, and spatial information, amino acid conservation, physicochemical variation, residue mobility, and thermodynamic stability) indicates that this missense variant is not expected to disrupt CEP41 protein function with a negative predictive value of 80%. In summary, the available evidence is currently insufficient to determine the role of this variant in disease. Therefore, it has been classified as a Variant of Uncertain Significance.

NM_018718.3(CEP41):c.581G>A (p.Ser194Asn)

Gene: CEP41 (centrosomal protein 41; minus strand). Cytogenetic location: 7q32.2.
Variant type: single nucleotide variant.
Coding change: c.581G>A on transcript NM_018718.3 (MANE Select); coding-DNA position 581, G replaced by A.
Protein change: p.Ser194Asn; replaces serine 194 with asparagine.
Molecular consequence: missense variant. On other transcripts: non-coding transcript variant (1).
Genome position (GRCh38, 1-based): chr7:130,401,942, C>T on the plus strand (G>A on the coding strand, the complement: CEP41 is on the minus strand). VCF-style: chr7-130401942-C-T. GRCh37 (hg19) VCF-style: chr7-130041783-C-T.
Other names: c.581G>A, p.Ser194Asn (NM_001257158.2); c.533G>A, p.Ser178Asn (NM_001257159.2); short protein forms S178N, S194N.
Identifiers: ClinVar variation 1714906 (VCV001714906.5), dbSNP rs2536056967, ClinGen allele CA369288443.